The following is an entry in ClinVar:

NM_001005242.3(PKP2):c.1711T>C (p.Ser571Pro)

Gene: PKP2 (plakophilin 2; minus strand). Cytogenetic location: 12p11.21.
Variant type: single nucleotide variant.
Coding change: c.1711T>C on transcript NM_001005242.3 (MANE Select); coding-DNA position 1711, T replaced by C.
Protein change: p.Ser571Pro; replaces serine 571 with proline.
Molecular consequence: missense variant. On other transcripts: intron variant (1).
Genome position (GRCh38, 1-based): chr12:32,822,595, A>G on the plus strand (T>C on the coding strand, the complement: PKP2 is on the minus strand). VCF-style: chr12-32822595-A-G. GRCh37 (hg19) VCF-style: chr12-32975529-A-G.
Other names: c.1711T>C, p.Ser571Pro (NM_001407155.1, NM_001407161.1); c.1843T>C, p.Ser615Pro (NM_001407157.1, NM_004572.4); c.1384T>C, p.Ser462Pro (NM_001407158.1, NM_001407159.1, NM_001407160.1 and 1 more transcripts); c.1675-1066T>C (NM_001407156.1); short protein forms S615P, S462P, S571P.
Identifiers: ClinVar variation 3419515 (VCV003419515.1).

ClinVar aggregate classification (germline): Uncertain significance (1 of 4 stars; one submission).

Conditions:
Cardiovascular phenotype. Identifiers: MedGen CN230736.

Submission:

Ambry Genetics
Classification: Uncertain significance for Cardiovascular phenotype. Last evaluated: 2024-07-17. Review status: criteria provided, single submitter. Criteria: Ambry Variant Classification Scheme 2023. Collection method: clinical testing. Allele origin: germline.
Comment: The p.S615P variant (also known as c.1843T>C), located in coding exon 9 of the PKP2 gene, results from a T to C substitution at nucleotide position 1843. The serine at codon 615 is replaced by proline, an amino acid with similar properties. This amino acid position is conserved. In addition, this alteration is predicted to be deleterious by in silico analysis. Based on the available evidence, the clinical significance of this variant remains unclear.